The following is an entry in ClinVar:

NM_000343.4(SLC5A1):c.1866G>C (p.Glu622Asp)

Gene: SLC5A1 (solute carrier family 5 member 1; plus strand). Cytogenetic location: 22q12.3.
Variant type: single nucleotide variant.
Coding change: c.1866G>C on transcript NM_000343.4 (MANE Select); coding-DNA position 1866, G replaced by C.
Protein change: p.Glu622Asp; replaces glutamic acid 622 with aspartic acid.
Molecular consequence: missense variant.
Genome position (GRCh38, 1-based): chr22:32,110,084, G>C. VCF-style: chr22-32110084-G-C. GRCh37 (hg19) VCF-style: chr22-32506071-G-C.
Other names: p.Glu622Asp; c.1485G>C, p.Glu495Asp (NM_001256314.2); short protein forms E622D, E495D.
Identifiers: ClinVar variation 900750 (VCV000900750.14), dbSNP rs200626260, ClinGen allele CA10198356.

ClinVar aggregate classification (germline): Uncertain significance. Review status: criteria provided, multiple submitters, no conflicts (2 of 4 stars). 5 submissions from 5 submitters: Uncertain significance (5). Last evaluated 2025-09-28.

Conditions:
Congenital glucose-galactose malabsorption (GGM). Also called: MONOSACCHARIDE MALABSORPTION; DIARRHEA 16. Identifiers: Orphanet 35710, MedGen C0268186, MONDO:0011731, OMIM 606824.
Inborn genetic diseases. Identifiers: MedGen C0950123, MeSH D030342.

Allele frequency attached by ClinVar (database versions not stated): TOPMed 0.00006; gnomAD 0.00007 and 0.00008; gnomAD exomes 0.00007; ESP Exome Variant Server 0.00023.
gnomAD v4.1: 141 of 1,613,948 alleles (0.0087%); highest among the groups gnomAD compares: Non-Finnish European, 0.012%; no homozygotes.

Submissions (5):

Mayo Clinic Laboratories, Mayo Clinic
Classification: Uncertain significance. Last evaluated: 2025-09-28. Review status: criteria provided, single submitter. Criteria: ACMG Guidelines, 2015. Collection method: clinical testing. Allele origin: germline. Observed: 1 variant allele.
Comment: BP4

Ambry Genetics
Classification: Uncertain significance for Inborn genetic diseases. Last evaluated: 2025-08-09. Review status: criteria provided, single submitter. Criteria: Ambry Variant Classification Scheme 2023. Collection method: clinical testing. Allele origin: germline.

Fulgent Genetics
Classification: Uncertain significance for Congenital glucose-galactose malabsorption. Last evaluated: 2024-02-27. Review status: criteria provided, single submitter. Criteria: ACMG Guidelines, 2015. Collection method: clinical testing. Allele origin: germline.

Labcorp Genetics (formerly Invitae), Labcorp
Classification: Uncertain significance for Congenital glucose-galactose malabsorption. Last evaluated: 2024-01-04. Review status: criteria provided, single submitter. Criteria: Invitae Variant Classification Sherloc (09022015). Collection method: clinical testing. Allele origin: germline.
Comment: This sequence change replaces glutamic acid, which is acidic and polar, with aspartic acid, which is acidic and polar, at codon 622 of the SLC5A1 protein (p.Glu622Asp). This variant is present in population databases (rs200626260, gnomAD 0.02%). This variant has not been reported in the literature in individuals affected with SLC5A1-related conditions. ClinVar contains an entry for this variant (Variation ID: 900750). An algorithm developed to predict the effect of missense changes on protein structure and function (PolyPhen-2) suggests that this variant¬†is likely to be tolerated. In summary, the available evidence is currently insufficient to determine the role of this variant in disease. Therefore, it has been classified as a Variant of Uncertain Significance.

Illumina Laboratory Services, Illumina
Classification: Uncertain significance for Congenital glucose-galactose malabsorption. Last evaluated: 2018-01-13. Review status: criteria provided, single submitter. Criteria: ICSL Variant Classification Criteria 13 December 2019. Collection method: clinical testing. Allele origin: germline.